The following is an entry in ClinVar:

ClinVar aggregate classification (germline): Uncertain significance. Review status: criteria provided, multiple submitters, no conflicts (2 of 4 stars). 2 submissions from 2 submitters: Uncertain significance (2). Last evaluated 2024-12-06.

Conditions:
LRP5-related disorder. Also called: LRP5-related condition.

Submissions (2):

PreventionGenetics, part of Exact Sciences
Classification: Uncertain significance for LRP5-related condition. Last evaluated: 2024-12-06. Review status: criteria provided, single submitter. Criteria: ACMG Guidelines, 2015. Collection method: clinical testing. Allele origin: germline.
Comment: The LRP5 c.1855A>G variant is predicted to result in the amino acid substitution p.Thr619Ala. To our knowledge, this variant has not been reported in the literature or in a large population database (gnomAD), indicating this variant is rare. At this time, the clinical significance of this variant is uncertain due to the absence of conclusive functional and genetic evidence.

Labcorp Genetics (formerly Invitae), Labcorp
Classification: Uncertain significance. Last evaluated: 2023-10-09. Review status: criteria provided, single submitter. Criteria: Invitae Variant Classification Sherloc (09022015). Collection method: clinical testing. Allele origin: germline.
Comment: This sequence change replaces threonine, which is neutral and polar, with alanine, which is neutral and non-polar, at codon 619 of the LRP5 protein (p.Thr619Ala). This variant is not present in population databases (gnomAD no frequency). This variant has not been reported in the literature in individuals affected with LRP5-related conditions. Advanced modeling of protein sequence and biophysical properties (such as structural, functional, and spatial information, amino acid conservation, physicochemical variation, residue mobility, and thermodynamic stability) performed at Invitae indicates that this missense variant is not expected to disrupt LRP5 protein function. In summary, the available evidence is currently insufficient to determine the role of this variant in disease. Therefore, it has been classified as a Variant of Uncertain Significance.

NM_002335.4(LRP5):c.1855A>G (p.Thr619Ala)

Gene: LRP5 (LDL receptor related protein 5; plus strand). Cytogenetic location: 11q13.2.
Variant type: single nucleotide variant.
Coding change: c.1855A>G on transcript NM_002335.4 (MANE Select); coding-DNA position 1855, A replaced by G.
Protein change: p.Thr619Ala; replaces threonine 619 with alanine.
Molecular consequence: missense variant.
Genome position (GRCh38, 1-based): chr11:68,406,577, A>G. VCF-style: chr11-68406577-A-G. GRCh37 (hg19) VCF-style: chr11-68174045-A-G.
Other names: c.1855A>G (NM_002335.3); c.112A>G, p.Thr38Ala (NM_001291902.2); short protein forms T38A, T619A.
Identifiers: ClinVar variation 2767304 (VCV002767304.4), dbSNP rs2496718206, ClinGen allele CA381615435.